The following is an entry in ClinVar:

ClinVar aggregate classification (germline): Pathogenic (1 of 4 stars; one submission).

Submission:

GeneDx
Classification: Pathogenic. Last evaluated: 2024-05-20. Review status: criteria provided, single submitter. Criteria: GeneDx Variant Classification Process June 2021. Collection method: clinical testing. Allele origin: germline. Affected: yes.
Comment: Canonical splice site variant predicted to result in protein truncation or nonsense mediated decay in a gene for which loss of function is a known mechanism of disease; functional studies support a loss of function mechanism (PMID: 28249776); No data available from control populations to assess the frequency of this variant; This variant is associated with the following publications: (PMID: 28249776, 24339369)

NM_001099857.5(IKBKG):c.518+2T>G

Gene: IKBKG (inhibitor of nuclear factor kappa B kinase regulatory subunit gamma; plus strand). Cytogenetic location: Xq28.
Variant type: single nucleotide variant.
Coding change: c.518+2T>G on transcript NM_001099857.5 (MANE Select); the canonical splice donor site of the intron after coding-DNA position 518, T replaced by G.
Molecular consequence: splice donor variant. On other transcripts: intron variant (1).
Genome position (GRCh38, 1-based): chrX:154,558,652, T>G. VCF-style: chrX-154558652-T-G. GRCh37 (hg19) VCF-style: chrX-153786867-T-G.
Other names: c.518+2T>G (NM_001377312.1, NM_001321396.3, NM_001145255.4 and 1 more transcripts); c.515+2T>G (NM_001377313.1, NM_001321397.3, NM_001377314.1); c.722+2T>G (NM_001099856.6); c.399+2276T>G (NM_001377315.1).
Identifiers: ClinVar variation 3381371 (VCV003381371.1).